The following is an entry in ClinVar:

NM_020822.3(KCNT1):c.2220C>T (p.Asp740=)

Gene: KCNT1 (potassium sodium-activated channel subfamily T member 1; plus strand). Cytogenetic location: 9q34.3.
Variant type: single nucleotide variant.
Coding change: c.2220C>T on transcript NM_020822.3 (MANE Select); coding-DNA position 2220, C replaced by T.
Protein change: p.Asp740=; no amino-acid change (aspartic acid 740 retained).
Molecular consequence: synonymous variant.
Genome position (GRCh38, 1-based): chr9:135,772,926, C>T. VCF-style: chr9-135772926-C-T. GRCh37 (hg19) VCF-style: chr9-138664772-C-T.
Other names: c.2085C>T, p.Asp695= (NM_001272003.2).
Identifiers: ClinVar variation 700074 (VCV000700074.12), dbSNP rs148162797, ClinGen allele CA5327212.

ClinVar aggregate classification (germline): Likely benign. Review status: criteria provided, multiple submitters, no conflicts (2 of 4 stars). 3 submissions from 3 submitters: Likely benign (3). Last evaluated 2026-08-02.

Conditions:
KCNT1-related disorder. Also called: KCNT1-related condition.
Autosomal dominant nocturnal frontal lobe epilepsy 5. Also called: Epilepsy, nocturnal frontal lobe, 5; KCNT1-Related Epilepsy; CILIARY DYSKINESIA, PRIMARY, 28, WITHOUT SITUS INVERSUS; CILIARY DYSKINESIA, PRIMARY, 28, WITH SITUS INVERSUS. Identifiers: Orphanet 98784, MedGen C3554306, MONDO:0014002, OMIM 615005.
Developmental and epileptic encephalopathy, 14 (DEE14). Also called: Early infantile epileptic encephalopathy 14. Identifiers: Orphanet 293181, MedGen C3554195, MONDO:0013989, OMIM 614959.

Allele frequency attached by ClinVar (database versions not stated): TOPMed 0.00004; 1000 Genomes Project 30x 0.00031.
gnomAD v4.1: 32 of 1,518,880 alleles (0.0021%); highest among the groups gnomAD compares: Middle Eastern, 0.017%; no homozygotes.

Submissions (3):

PreventionGenetics, part of Exact Sciences
Classification: Likely benign for KCNT1-related condition. Last evaluated: 2026-08-02. Review status: criteria provided, single submitter. Criteria: ACMG Guidelines, 2015. Collection method: clinical testing. Allele origin: germline.
Comment: This variant is classified as likely benign based on ACMG/AMP sequence variant interpretation guidelines (Richards et al. 2015 PMID: 25741868, with internal and published modifications).

Labcorp Genetics (formerly Invitae), Labcorp
Classification: Likely benign for Autosomal dominant nocturnal frontal lobe epilepsy 5; Developmental and epileptic encephalopathy, 14. Last evaluated: 2025-09-02. Review status: criteria provided, single submitter. Criteria: Invitae Variant Classification Sherloc (09022015). Collection method: clinical testing. Allele origin: germline.

Blueprint Genetics
Classification: Likely benign. Last evaluated: 2022-07-12. Review status: criteria provided, single submitter. Criteria: ACMG Guidelines, 2015. Collection method: clinical testing. Allele origin: germline.